The following is an entry in ClinVar:

NM_001351132.2(PEX5):c.1110+5G>A

Gene: PEX5 (peroxisomal biogenesis factor 5; plus strand). Cytogenetic location: 12p13.31.
Variant type: single nucleotide variant.
Coding change: c.1110+5G>A on transcript NM_001351132.2 (MANE Select); 5 bases into the intron after coding-DNA position 1110, G replaced by A.
Molecular consequence: intron variant.
Genome position (GRCh38, 1-based): chr12:7,207,807, G>A. VCF-style: chr12-7207807-G-A. GRCh37 (hg19) VCF-style: chr12-7360403-G-A.
Other names: c.999+5G>A (NM_001351124.3, NM_001351126.2, NM_001374646.1 and 7 more transcripts); c.1110+5G>A (NM_001131026.2, NM_001351131.2, NM_001374647.2 and 4 more transcripts); c.975+5G>A (NM_001374649.2, NM_001351140.2, NM_001351139.2); c.1044+5G>A (NM_001351135.3, NM_001351138.2); c.1155+5G>A (NM_001131023.2); c.1101+5G>A (NM_001351136.2); c.1086+5G>A (NM_000319.5).
Identifiers: ClinVar variation 1512812 (VCV001512812.6), dbSNP rs2136228030, ClinGen allele CA2573148415.
Genomic context (GRCh38, chr12:7,207,807, plus strand): 5'-CAAATGCTGTGCTGCTTTTTGAGGCAGCTGTGCAGCAGGATCCTAAGCACATGGAAGTGA[G>A]TGACTCCATAGTCTCATTTCTGGCTAGAGACTGCTTCCTCCATCTTGAGAAAGGCCCCAA-3'

ClinVar aggregate classification (germline): Uncertain significance (1 of 4 stars; one submission).

Conditions:
Peroxisome biogenesis disorder 2B (PBD2B). Identifiers: Orphanet 44, MedGen C3550234, MONDO:0008736, OMIM 202370.

Submission:

Labcorp Genetics (formerly Invitae), Labcorp
Classification: Uncertain significance for Peroxisome biogenesis disorder 2B. Last evaluated: 2021-08-14. Review status: criteria provided, single submitter. Criteria: Invitae Variant Classification Sherloc (09022015). Collection method: clinical testing. Allele origin: germline.
Comment: This sequence change falls in intron 11 of the PEX5 gene. It does not directly change the encoded amino acid sequence of the PEX5 protein. It affects a nucleotide within the consensus splice site of the intron. This variant is not present in population databases (ExAC no frequency). This variant has not been reported in the literature in individuals affected with PEX5-related conditions. Variants that disrupt the consensus splice site are a relatively common cause of aberrant splicing (PMID: 17576681, 9536098). Algorithms developed to predict the effect of sequence changes on RNA splicing suggest that this variant may disrupt the consensus splice site. In summary, the available evidence is currently insufficient to determine the role of this variant in disease. Therefore, it has been classified as a Variant of Uncertain Significance.

Literature cited by the submitters: PubMed 17576681; PubMed 9536098.